The following is an entry in ClinVar:

NM_015409.5(EP400):c.1320G>A (p.Glu440=)

Gene: EP400 (E1A binding protein p400; plus strand). Cytogenetic location: 12q24.33.
Variant type: single nucleotide variant.
Coding change: c.1320G>A on transcript NM_015409.5 (MANE Select); coding-DNA position 1320, G replaced by A.
Protein change: p.Glu440=; no amino-acid change (glutamic acid 440 retained).
Molecular consequence: synonymous variant.
Genome position (GRCh38, 1-based): chr12:131,961,939, G>A. VCF-style: chr12-131961939-G-A. GRCh37 (hg19) VCF-style: chr12-132446484-G-A.
Identifiers: ClinVar variation 3054001 (VCV003054001.2), dbSNP rs960379455, ClinGen allele CA246165775.

ClinVar aggregate classification (germline): Likely benign (0 of 4 stars; one submission).

Conditions:
EP400-related disorder. Also called: EP400-related condition.

Allele frequency attached by ClinVar (database versions not stated): gnomAD 0.00001; TOPMed 0.00003.

Submission:

PreventionGenetics, part of Exact Sciences
Classification: Likely benign for EP400-related condition. Last evaluated: 2020-03-27. Review status: no assertion criteria provided. Collection method: clinical testing. Allele origin: germline.
Comment: This variant is classified as likely benign based on ACMG/AMP sequence variant interpretation guidelines (Richards et al. 2015 PMID: 25741868, with internal and published modifications).